The following is an entry in ClinVar:

NM_000320.3(QDPR):c.635T>C (p.Phe212Ser)

Gene: QDPR (quinoid dihydropteridine reductase; minus strand). Cytogenetic location: 4p15.32.
Variant type: single nucleotide variant.
Coding change: c.635T>C on transcript NM_000320.3 (MANE Select); coding-DNA position 635, T replaced by C.
Protein change: p.Phe212Ser; replaces phenylalanine 212 with serine.
Molecular consequence: missense variant. On other transcripts: non-coding transcript variant (1).
Genome position (GRCh38, 1-based): chr4:17,487,231, A>G on the plus strand (T>C on the coding strand, the complement: QDPR is on the minus strand). VCF-style: chr4-17487231-A-G. GRCh37 (hg19) VCF-style: chr4-17488854-A-G.
Other names: c.542T>C, p.Phe181Ser (NM_001306140.2); short protein forms F181S, F212S.
Identifiers: ClinVar variation 2775915 (VCV002775915.5), dbSNP rs777797545, ClinGen allele CA16616714.
Genomic context (GRCh38, chr4:17,487,231, plus strand): 5'-GTTACCACCTGGATTAGGCTTCCTGAGCTCGGTCGGTTTTTCCCTGTGATCCAGTCATGG[A>G]AAGTTCTGGAACAGAAAATAAAAGTTTTTTTTATATTCTCAAAGCAAAAATCTGGGCACA-3'
Protein context (NP_000311.2, residues 202-222): WTPLEFLVET[Phe212Ser]HDWITGKNRP

ClinVar aggregate classification (germline): Likely pathogenic. Review status: criteria provided, multiple submitters, no conflicts (2 of 4 stars). 2 submissions from 2 submitters: Likely pathogenic (2). Last evaluated 2025-04-30.

Conditions:
Dihydropteridine reductase deficiency (HPABH4C). Also called: BH4-Deficient Hyperphenylalaninemia C; HYPERPHENYLALANINEMIA, TETRAHYDROBIOPTERIN-DEFICIENT, DUE TO DHPR DEFICIENCY; QDPR DEFICIENCY; QUINOID DIHYDROPTERIDINE REDUCTASE DEFICIENCY; Phenylketonuria II; Hyperphenylalaninemia due to dihydropteridine reductase deficiency. Identifiers: Orphanet 226, Orphanet 238583, MedGen C0268465, MONDO:0009862, OMIM 261630.

gnomAD v4.1: 3 of 1,613,814 alleles (0.00019%); highest among the groups gnomAD compares: South Asian, 0.0033%; no homozygotes.

Submissions (2):

Women's Health and Genetics/Laboratory Corporation of America, LabCorp
Classification: Likely pathogenic for Dihydropteridine reductase deficiency. Last evaluated: 2025-04-30. Review status: criteria provided, single submitter. Criteria: LabCorp Variant Classification Summary - May 2015. Collection method: clinical testing. Allele origin: germline.
Comment: Variant summary: QDPR c.635T>C (p.Phe212Ser) results in a non-conservative amino acid change in the encoded protein sequence. Five of five in-silico tools predict a damaging effect of the variant on protein function. The variant was absent in 250950 control chromosomes. c.635T>C has been observed in homozygous or compound heterozygous genotype in individuals affected with Dihydropteridine Reductase Deficiency (Loureno_2021, Ray_2022). These data indicate that the variant may be associated with disease. At least one publication reports experimental evidence evaluating an impact on protein function. The most pronounced variant effect results in lack of enzymatic activity (Loureno_2021). The following publications have been ascertained in the context of this evaluation (PMID: 34485013, 34997870). ClinVar contains an entry for this variant (Variation ID: 2775915). Based on the evidence outlined above, the variant was classified as likely pathogenic.

Labcorp Genetics (formerly Invitae), Labcorp
Classification: Likely pathogenic for Dihydropteridine reductase deficiency. Last evaluated: 2023-12-04. Review status: criteria provided, single submitter. Criteria: Invitae Variant Classification Sherloc (09022015). Collection method: clinical testing. Allele origin: germline.
Comment: This sequence change replaces phenylalanine, which is neutral and non-polar, with serine, which is neutral and polar, at codon 212 of the QDPR protein (p.Phe212Ser). This variant is not present in population databases (gnomAD no frequency). This missense change has been observed in individual(s) with dihydropteridine reductase deficiency (PMID: 34485013, 34997870). In at least one individual the data is consistent with being in trans (on the opposite chromosome) from a pathogenic variant. An algorithm developed to predict the effect of missense changes on protein structure and function (PolyPhen-2) suggests that this variant is likely to be disruptive. This variant disrupts the p.Phe212 amino acid residue in QDPR. Other variant(s) that disrupt this residue have been observed in individuals with QDPR-related conditions (PMID: 1283784), which suggests that this may be a clinically significant amino acid residue. In summary, the currently available evidence indicates that the variant is pathogenic, but additional data are needed to prove that conclusively. Therefore, this variant has been classified as Likely Pathogenic.

Literature cited by the submitters: PubMed 34485013 (cited by Women's Health and Genetics/Laboratory Corporation of America, LabCorp and Labcorp Genetics (formerly Invitae), Labcorp); PubMed 34997870 (cited by Women's Health and Genetics/Laboratory Corporation of America, LabCorp and Labcorp Genetics (formerly Invitae), Labcorp); PubMed 1283784 (cited by Labcorp Genetics (formerly Invitae), Labcorp).